The following is an entry in ClinVar:

NM_003661.4(APOL1):c.258C>T (p.Leu86=)

Gene: APOL1 (apolipoprotein L1; plus strand). Cytogenetic location: 22q12.3.
Variant type: single nucleotide variant.
Coding change: c.258C>T on transcript NM_003661.4 (MANE Select); coding-DNA position 258, C replaced by T.
Protein change: p.Leu86=; no amino-acid change (leucine 86 retained).
Molecular consequence: synonymous variant.
Genome position (GRCh38, 1-based): chr22:36,261,666, C>T. VCF-style: chr22-36261666-C-T. GRCh37 (hg19) VCF-style: chr22-36657712-C-T.
Other names: c.258C>T, p.Leu86= (NM_001136540.2); c.204C>T, p.Leu68= (NM_001136541.2, NM_001362927.2); c.306C>T, p.Leu102= (NM_145343.3).
Identifiers: ClinVar variation 4982781 (VCV004982781.1).
Genomic context (GRCh38, chr22:36,261,666, plus strand): 5'-CTTTATTGAGGATGCCATTAAGTATTTCAAGGAAAAAGTGAGCACACAGAATCTGCTACT[C>T]CTGCTGACTGATAATGAGGCCTGGAACGGATTCGTGGCTGCTGCTGAACTGCCCAGGTAA-3'
Protein context (NP_003652.2, residues 76-96): KEKVSTQNLL[Leu86=]LLTDNEAWNG

ClinVar aggregate classification (germline): Likely benign (1 of 4 stars; one submission).

Conditions:
APOL1-related disorder. Also called: APOL1-related condition.

Submission:

PreventionGenetics, part of Exact Sciences
Classification: Likely benign for APOL1-related condition. Last evaluated: 2026-01-13. Review status: criteria provided, single submitter. Criteria: ACMG Guidelines, 2015. Collection method: clinical testing. Allele origin: germline.
Comment: This variant is classified as likely benign based on ACMG/AMP sequence variant interpretation guidelines (Richards et al. 2015 PMID: 25741868, with internal and published modifications).